The following is an entry in ClinVar:

ClinVar aggregate classification (germline): Uncertain significance. Review status: criteria provided, multiple submitters, no conflicts (2 of 4 stars). 3 submissions from 3 submitters: Uncertain significance (3). Last evaluated 2024-10-16.

Conditions:
Alagille syndrome due to a JAG1 point mutation. Also called: Alagille Syndrome 1; HEPATIC DUCTULAR HYPOPLASIA, SYNDROMATIC; JAG1-Related Alagille Syndrome. Identifiers: Orphanet 261619, Orphanet 52, MedGen C1956125, MONDO:0016862, OMIM 118450.

Allele frequency attached by ClinVar (database versions not stated): gnomAD 0.00001; gnomAD exomes 0.00001.
gnomAD v4.1: 8 of 1,256,418 alleles (0.00064%); highest among the groups gnomAD compares: African/African-American, 0.0031%; no homozygotes.

Submissions (3):

Labcorp Genetics (formerly Invitae), Labcorp
Classification: Uncertain significance for Alagille syndrome due to a JAG1 point mutation. Last evaluated: 2024-10-16. Review status: criteria provided, single submitter. Criteria: Invitae Variant Classification Sherloc (09022015). Collection method: clinical testing. Allele origin: germline.
Comment: This sequence change replaces proline, which is neutral and non-polar, with leucine, which is neutral and non-polar, at codon 4 of the JAG1 protein (p.Pro4Leu). This variant is not present in population databases (gnomAD no frequency). This missense change has been observed in individual(s) with clinical features of left-ventricular outflow tract obstruction (PMID: 27760138). ClinVar contains an entry for this variant (Variation ID: 593801). Invitae Evidence Modeling of protein sequence and biophysical properties (such as structural, functional, and spatial information, amino acid conservation, physicochemical variation, residue mobility, and thermodynamic stability) has been performed for this missense variant. However, the output from this modeling did not meet the statistical confidence thresholds required to predict the impact of this variant on JAG1 protein function. In summary, the available evidence is currently insufficient to determine the role of this variant in disease. Therefore, it has been classified as a Variant of Uncertain Significance.

Blueprint Genetics
Classification: Uncertain significance. Last evaluated: 2022-10-28. Review status: criteria provided, single submitter. Criteria: ACMG Guidelines, 2015. Collection method: clinical testing. Allele origin: germline.

Eurofins Ntd Llc (ga)
Classification: Uncertain significance. Last evaluated: 2017-08-23. Review status: criteria provided, single submitter. Criteria: EGL Classification Definitions 2015. Collection method: clinical testing. Allele origin: germline. Observed: 1 variant allele, 1 heterozygote.

Literature cited by the submitters: PubMed 27760138 (cited by Labcorp Genetics (formerly Invitae), Labcorp).

NM_000214.3(JAG1):c.11C>T (p.Pro4Leu)

Gene: JAG1 (jagged canonical Notch ligand 1; minus strand). Cytogenetic location: 20p12.2.
Variant type: single nucleotide variant.
Coding change: c.11C>T on transcript NM_000214.3 (MANE Select); coding-DNA position 11, C replaced by T.
Protein change: p.Pro4Leu; replaces proline 4 with leucine.
Molecular consequence: missense variant.
Genome position (GRCh38, 1-based): chr20:10,673,520, G>A on the plus strand (C>T on the coding strand, the complement: JAG1 is on the minus strand). VCF-style: chr20-10673520-G-A. GRCh37 (hg19) VCF-style: chr20-10654168-G-A.
Other names: c.11C>T, p.Pro4Leu (LRG_1191t1); short protein forms P4L.
Identifiers: ClinVar variation 593801 (VCV000593801.11), dbSNP rs1568807505, ClinGen allele CA408244347.